The following is an entry in ClinVar:

NM_021815.5(SLC5A7):c.1425G>T (p.Gln475His)

Gene: SLC5A7 (solute carrier family 5 member 7; plus strand). Cytogenetic location: 2q12.3.
Variant type: single nucleotide variant.
Coding change: c.1425G>T on transcript NM_021815.5 (MANE Select); coding-DNA position 1425, G replaced by T.
Protein change: p.Gln475His; replaces glutamine 475 with histidine.
Molecular consequence: missense variant.
Genome position (GRCh38, 1-based): chr2:108,010,543, G>T. VCF-style: chr2-108010543-G-T. GRCh37 (hg19) VCF-style: chr2-108626999-G-T.
Other names: c.1425G>T, p.Gln475His (NM_001305005.3); c.1110G>T, p.Gln370His (NM_001305006.3); c.684G>T, p.Gln228His (NM_001305007.3); short protein forms Q370H, Q228H, Q475H.
Identifiers: ClinVar variation 2940000 (VCV002940000.3), dbSNP rs1678282943, ClinGen allele CA348114549.

ClinVar aggregate classification (germline): Uncertain significance (1 of 4 stars; one submission).

Conditions:
Congenital myasthenic syndrome 20. Also called: Myasthenic syndrome, congenital, 20, presynaptic. Identifiers: MedGen C4310694, MONDO:0014939, OMIM 617143.
Neuronopathy, distal hereditary motor, type 7A. Also called: HARPER-YOUNG MYOPATHY; HMN VIIA; SPINAL MUSCULAR ATROPHY, DISTAL, WITH VOCAL CORD PARALYSIS; Neuronopathy, distal hereditary motor, type viia; NEURONOPATHY, DISTAL HEREDITARY MOTOR, HARDING TYPE VIIA; NEUROPATHY, DISTAL HEREDITARY MOTOR, HARDING TYPE VIIA. Identifiers: Orphanet 139589, MedGen C1834703, MONDO:0008024, OMIM 158580.

Allele frequency attached by ClinVar (database versions not stated): gnomAD exomes below 0.00001; TOPMed below 0.00001.
gnomAD v4.1: 1 of 1,613,706 alleles (0.000062%); highest among the groups gnomAD compares: Non-Finnish European, 0.000085%; no homozygotes.

Submission:

Labcorp Genetics (formerly Invitae), Labcorp
Classification: Uncertain significance for Neuronopathy, distal hereditary motor, type 7A; Congenital myasthenic syndrome 20. Last evaluated: 2024-01-04. Review status: criteria provided, single submitter. Criteria: Invitae Variant Classification Sherloc (09022015). Collection method: clinical testing. Allele origin: germline.
Comment: This sequence change replaces glutamine, which is neutral and polar, with histidine, which is basic and polar, at codon 475 of the SLC5A7 protein (p.Gln475His). This variant is not present in population databases (gnomAD no frequency). This variant has not been reported in the literature in individuals affected with SLC5A7-related conditions. Advanced modeling of protein sequence and biophysical properties (such as structural, functional, and spatial information, amino acid conservation, physicochemical variation, residue mobility, and thermodynamic stability) performed at Invitae indicates that this missense variant is not expected to disrupt SLC5A7 protein function with a negative predictive value of 80%. In summary, the available evidence is currently insufficient to determine the role of this variant in disease. Therefore, it has been classified as a Variant of Uncertain Significance.